The following is an entry in ClinVar:

ClinVar aggregate classification (germline): Likely benign (0 of 4 stars; one submission).

Conditions:
NUP160-related disorder. Also called: NUP160-related condition.

Allele frequency attached by ClinVar (database versions not stated): gnomAD exomes 0.00001; ExAC 0.00008; gnomAD 0.00015; TOPMed 0.00026; ESP Exome Variant Server 0.00054.
gnomAD v4.1: 44 of 1,612,922 alleles (0.0027%); highest among the groups gnomAD compares: African/African-American, 0.057%; no homozygotes.

Submission:

PreventionGenetics, part of Exact Sciences
Classification: Likely benign for NUP160-related condition. Last evaluated: 2022-05-05. Review status: no assertion criteria provided. Collection method: clinical testing. Allele origin: germline.
Comment: This variant is classified as likely benign based on ACMG/AMP sequence variant interpretation guidelines (Richards et al. 2015 PMID: 25741868, with internal and published modifications).

NM_015231.3(NUP160):c.2140-3T>C

Gene: NUP160 (nucleoporin 160; minus strand). Cytogenetic location: 11p11.2.
Variant type: single nucleotide variant.
Coding change: c.2140-3T>C on transcript NM_015231.3 (MANE Select); 3 bases into the intron before coding-DNA position 2140, T replaced by C.
Molecular consequence: intron variant.
Genome position (GRCh38, 1-based): chr11:47,808,532, A>G on the plus strand (T>C on the coding strand, the complement: NUP160 is on the minus strand). VCF-style: chr11-47808532-A-G. GRCh37 (hg19) VCF-style: chr11-47830084-A-G.
Identifiers: ClinVar variation 3054154 (VCV003054154.2), dbSNP rs376510898, ClinGen allele CA5981073.